The following is an entry in ClinVar:

ClinVar aggregate classification (germline): Pathogenic (1 of 4 stars; one submission).

Conditions:
Hereditary cancer-predisposing syndrome. Also called: Hereditary Cancer Syndrome; Hereditary neoplastic syndrome; Neoplastic Syndromes, Hereditary; Tumor predisposition. Identifiers: Orphanet 140162, MedGen C0027672, MeSH D009386, MONDO:0015356.

Submission:

Labcorp Genetics (formerly Invitae), Labcorp
Classification: Pathogenic for Hereditary cancer-predisposing syndrome. Last evaluated: 2023-06-23. Review status: criteria provided, single submitter. Criteria: Invitae Variant Classification Sherloc (09022015). Collection method: clinical testing. Allele origin: germline.
Comment: This sequence change creates a premature translational stop signal (p.Phe570Trpfs*31) in the RAD50 gene. It is expected to result in an absent or disrupted protein product. Loss-of-function variants in RAD50 are known to be pathogenic (PMID: 19409520). This variant is not present in population databases (gnomAD no frequency). This variant has not been reported in the literature in individuals affected with RAD50-related conditions. ClinVar contains an entry for this variant (Variation ID: 1447257). For these reasons, this variant has been classified as Pathogenic.

Literature cited by the submitters: PubMed 19409520.

NM_005732.4(RAD50):c.1701_1708dup (p.Phe570fs)

Gene: RAD50 (RAD50 double strand break repair protein; plus strand). Cytogenetic location: 5q31.1.
Variant type: Duplication.
Coding change: c.1701_1708dup on transcript NM_005732.4 (MANE Select); coding-DNA positions 1701 to 1708, 8 bases duplicated (GGGATATT; older notation c.1701_1708dupGGGATATT).
Protein change: p.Phe570fs; shifts the reading frame from phenylalanine 570.
Molecular consequence: frameshift variant.
Genome position (GRCh38, 1-based): chr5:132,591,942-132,591,949, GGGATATT duplicated; duplicating any 8 consecutive bases within chr5:132,591,940-132,591,949 gives the same sequence; the c. name uses the placement nearest the transcript's 3' end. VCF-style (leftmost placement, unchanged base first): chr5-132591939-G-GTTGGGATA. GRCh37 (hg19) VCF-style: chr5-131927631-G-GTTGGGATA.
Other names: short protein forms F570fs.
Identifiers: ClinVar variation 1447257 (VCV001447257.6), dbSNP rs2149842688, ClinGen allele CA2573139003.